The following is an entry in ClinVar:

ClinVar aggregate classification (germline): Likely benign (1 of 4 stars; one submission).

gnomAD v4.1: 42 of 1,609,926 alleles (0.0026%); highest among the groups gnomAD compares: South Asian, 0.03%; no homozygotes.

Submission:

CeGaT Center for Human Genetics Tuebingen
Classification: Likely benign. Last evaluated: 2026-08-01. Review status: criteria provided, single submitter. Criteria: CeGaT Center For Human Genetics Tuebingen Variant Classification Criteria Version 2. Collection method: clinical testing. Allele origin: germline. Affected: yes. Observed: 1 variant allele.
Comment: MICOS10-NBL1: BP4, BP7; NBL1: BP4, BP7

NM_005380.8(NBL1):c.288G>A (p.Thr96=)

Genes: MICOS10-NBL1 (MICOS10-NBL1 readthrough; plus strand), NBL1 (NBL1, DAN family BMP antagonist; plus strand). Cytogenetic location: 1p36.13.
Variant type: single nucleotide variant.
Coding change: c.288G>A on transcript NM_005380.8 (MANE Select); coding-DNA position 288, G replaced by A.
Protein change: p.Thr96=; no amino-acid change (threonine 96 retained).
Molecular consequence: synonymous variant.
Genome position (GRCh38, 1-based): chr1:19,656,871, G>A. VCF-style: chr1-19656871-G-A. GRCh37 (hg19) VCF-style: chr1-19983364-G-A.
Other names: c.330G>A, p.Thr110= (NM_001204088.2); c.288G>A, p.Thr96= (NM_001204089.2, NM_001204084.3, NM_001204085.2 and 3 more transcripts); c.390G>A, p.Thr130= (NM_001204086.3); c.393G>A, p.Thr131= (NM_182744.4).
Identifiers: ClinVar variation 5039953 (VCV005039953.1).
Genomic context (GRCh38, chr1:19,656,871, plus strand): 5'-TTGCCTGCCCCAGACCTTTGGGAACATGCCTCTGCTTCTCTCTTGCCCTCTGCAGGTGAC[G>A]CTGGAGTGCCCGGGCCACGAGGAGGTGCCCAGGGTGGACAAGCTGGTGGAGAAGATCCTG-3'
Protein context (NP_005371.2, residues 86-106): MPAQSMWEIV[Thr96=]LECPGHEEVP